The following is an entry in ClinVar:

ClinVar aggregate classification (germline): Conflicting classifications of pathogenicity. Review status: criteria provided, conflicting classifications (1 of 4 stars). 6 submissions from 6 submitters: Uncertain significance (1); Likely benign (4). 1 of the submissions does not count toward it. Last evaluated 2026-01-16.

Conditions:
PLEC-related disorder. Also called: PLEC-related condition; PLEC-related disorders.
Autosomal recessive limb-girdle muscular dystrophy type 2Q (LGMDR17). Also called: MUSCULAR DYSTROPHY, LIMB-GIRDLE, AUTOSOMAL RECESSIVE 17. Identifiers: Orphanet 254361, MedGen C3150989, MONDO:0013390, OMIM 613723.
Epidermolysis bullosa simplex with nail dystrophy (EBS5D). Identifiers: MedGen C4225309, MONDO:0014661, OMIM 616487.
Epidermolysis bullosa simplex 5C, with pyloric atresia (EBS5C). Also called: PLEC-Related Epidermolysis Bullosa with Pyloric Atresia; PLEC1-Related Epidermolysis Bullosa with Pyloric Atresia; Epidermolysis bullosa simplex with pyloric atresia. Identifiers: Orphanet 158684, MedGen C2677349, MONDO:0012807, OMIM 612138.
Epidermolysis bullosa simplex, Ogna type (EBS5A). Also called: Pidermolysis bullosa simplex 5A, Ogna type; EPIDERMOLYSIS BULLOSA SIMPLEX 5A, OGNA TYPE. Identifiers: Orphanet 79401, MedGen C0432317, MONDO:0007555, OMIM 131950.
Epidermolysis bullosa simplex 5B, with muscular dystrophy (EBS5B). Also called: Epidermolysis bullosa simplex with muscular dystrophy; EPIDERMOLYSIS BULLOSA SIMPLEX AND LIMB-GIRDLE MUSCULAR DYSTROPHY. Identifiers: Orphanet 257, MedGen C2931072, MONDO:0009181, OMIM 226670.

Allele frequency attached by ClinVar (database versions not stated): ExAC 0.00018; gnomAD exomes 0.00019 and 0.00021; TOPMed 0.00032; gnomAD 0.00034 and 0.00035; ESP Exome Variant Server 0.00049; 1000 Genomes Project 0.00060; 1000 Genomes Project 30x 0.00062.
gnomAD v4.1: 326 of 1,613,330 alleles (0.02%); highest among the groups gnomAD compares: Admixed American, 0.03%; 1 homozygote.

Submissions (6):

Labcorp Genetics (formerly Invitae), Labcorp
Classification: Likely benign for Autosomal recessive limb-girdle muscular dystrophy type 2Q; Epidermolysis bullosa simplex, Ogna type; Epidermolysis bullosa simplex with nail dystrophy; Epidermolysis bullosa simplex 5C, with pyloric atresia; Epidermolysis bullosa simplex 5B, with muscular dystrophy. Last evaluated: 2026-01-16. Review status: criteria provided, single submitter. Criteria: Invitae Variant Classification Sherloc (09022015). Collection method: clinical testing. Allele origin: germline.

Women's Health and Genetics/Laboratory Corporation of America, LabCorp
Classification: Likely benign. Last evaluated: 2024-11-11. Review status: criteria provided, single submitter. Criteria: LabCorp Variant Classification Summary - May 2015. Collection method: clinical testing. Allele origin: germline.

Blueprint Genetics
Classification: Likely benign. Last evaluated: 2024-10-02. Review status: criteria provided, single submitter. Criteria: ACMG Guidelines, 2015. Collection method: clinical testing. Allele origin: germline.

CeGaT Center for Human Genetics Tuebingen
Classification: Likely benign. Last evaluated: 2023-02-01. Review status: criteria provided, single submitter. Criteria: CeGaT Center For Human Genetics Tuebingen Variant Classification Criteria Version 2. Collection method: clinical testing. Allele origin: germline. Affected: yes. Observed: 3 variant alleles.
Comment: PLEC: BP4, BP7

Eurofins Ntd Llc (ga)
Classification: Uncertain significance. Last evaluated: 2017-02-07. Review status: criteria provided, single submitter. Criteria: EGL Classification Definitions 2015. Collection method: clinical testing. Allele origin: germline. Observed: 7 variant alleles, 7 heterozygotes.

PreventionGenetics, part of Exact Sciences
Classification: Likely benign for PLEC-related condition. Last evaluated: 2024-04-22. Review status: no assertion criteria provided. Collection method: clinical testing. Allele origin: germline. Not counted in ClinVar's aggregate classification.
Comment: This variant is classified as likely benign based on ACMG/AMP sequence variant interpretation guidelines (Richards et al. 2015 PMID: 25741868, with internal and published modifications).

NM_201384.3(PLEC):c.8442C>T (p.Gly2814=)

Gene: PLEC (plectin; minus strand). Cytogenetic location: 8q24.3.
Variant type: single nucleotide variant.
Coding change: c.8442C>T on transcript NM_201384.3 (MANE Select); coding-DNA position 8442, C replaced by T.
Protein change: p.Gly2814=; no amino-acid change (glycine 2814 retained).
Molecular consequence: synonymous variant.
Genome position (GRCh38, 1-based): chr8:143,921,379, G>A on the plus strand (C>T on the coding strand, the complement: PLEC is on the minus strand). VCF-style: chr8-143921379-G-A. GRCh37 (hg19) VCF-style: chr8-144995547-G-A.
Other names: c.8523C>T, p.Gly2841= (NM_000445.5); c.8400C>T, p.Gly2800= (NM_201378.4); c.8376C>T, p.Gly2792= (NM_201379.3); c.8853C>T, p.Gly2951= (NM_201380.4); c.8346C>T, p.Gly2782= (NM_201381.3); c.8442C>T, p.Gly2814= (NM_201382.4); c.8454C>T, p.Gly2818= (NM_201383.3).
Identifiers: ClinVar variation 285231 (VCV000285231.41), dbSNP rs186703073, ClinGen allele CA4925310.
Genomic context (GRCh38, chr8:143,921,379, plus strand): 5'-GTAGCCGCGCCGGTAGGCCACGTCCACGGGCACGCGGTGGCTGTGCACGGGGTCGATAAC[G>A]CCGCCCGTGGCGATCTGGGCCTCCAGCAGGCGGATGCCGTGCTCCCGGACGATGAGGCCC-3'
Protein context (NP_958786.1, residues 2804-2824): RLLEAQIATG[Gly2814=]VIDPVHSHRV